The following is an entry in ClinVar:

NM_001145809.2(MYH14):c.6035AGG[1] (p.Glu2013del)

Gene: MYH14 (myosin heavy chain 14; plus strand). Cytogenetic location: 19q13.33.
Variant type: Microsatellite.
Coding change: c.6035AGG[1] on transcript NM_001145809.2 (MANE Select); one copy of the 3-base unit AGG starting at c.6035; the reference has two copies in a row; one copy, 3 bases deleted.
Protein change: p.Glu2013del; deletes glutamic acid 2013.
Molecular consequence: inframe deletion.
Genome position (GRCh38, 1-based): chr19:50,309,717-50,309,719, AGG deleted; deleting any 3 consecutive bases within chr19:50,309,713-50,309,719 gives the same sequence; the position shown is the placement nearest the transcript's 3' end. VCF-style (leftmost placement, unchanged base first): chr19-50309712-CGAG-C. GRCh37 (hg19) VCF-style: chr19-50812969-CGAG-C.
Other names: c.5915_5917delAGG (NM_024729.3); c.5936AGG[1], p.Glu1980del (NM_001077186.2); c.5912AGG[1], p.Glu1972del (NM_024729.4); short protein forms E1972del, E2013del, E1980del.
Identifiers: ClinVar variation 504253 (VCV000504253.2), dbSNP rs867351302, ClinGen allele CA309598171.

ClinVar aggregate classification (germline): Uncertain significance (1 of 4 stars; one submission).

Submission:

GeneDx
Classification: Uncertain significance. Last evaluated: 2018-02-07. Review status: criteria provided, single submitter. Criteria: GeneDx Variant Classification (06012015). Collection method: clinical testing. Allele origin: germline. Affected: yes.
Comment: The c.5915_5917delAGG variant in the MYH14 gene has not been reported previously as a pathogenic variant, nor as a benign variant, to our knowledge. The c.5915_5917delAGG variant causes an in-frame deletion of one amino acid, Glutamic acid 1972, denoted p.Glu1972del. In-silico analyses, including protein predictors and evolutionary conservation, support that this variant does not alter protein structure/function. The c.5915_5917delAGG variant is not observed in large population cohorts (Lek et al., 2016). We interpret c.5915_5917delAGG as a variant of uncertain significance.